The following is an entry in ClinVar:

NM_002815.4(PSMD11):c.608C>T (p.Pro203Leu)

Gene: PSMD11 (proteasome 26S subunit, non-ATPase 11; plus strand). Cytogenetic location: 17q11.2.
Variant type: single nucleotide variant.
Coding change: c.608C>T on transcript NM_002815.4 (MANE Select); coding-DNA position 608, C replaced by T.
Protein change: p.Pro203Leu; replaces proline 203 with leucine.
Molecular consequence: missense variant.
Genome position (GRCh38, 1-based): chr17:32,469,158, C>T. VCF-style: chr17-32469158-C-T. GRCh37 (hg19) VCF-style: chr17-30796176-C-T.
Other names: c.608C>T, p.Pro203Leu (NM_001270482.2); short protein forms P203L.
Identifiers: ClinVar variation 5009314 (VCV005009314.1).
Genomic context (GRCh38, chr17:32,469,158, plus strand): 5'-TGCCGAAAGCCCGAGCTGCCTTAACTTCTGCTCGAACCACAGCAAATGCCATCTACTGCC[C>T]CCCTAAATTGCAGGCCACCTTGGACATGCAGTCGGGTAACAGACGTAGCTATTCCTGGGA-3'
Protein context (NP_002806.2, residues 193-213): ARTTANAIYC[Pro203Leu]PKLQATLDMQ

ClinVar aggregate classification (germline): Uncertain significance (1 of 4 stars; one submission).

Submission:

GeneDx
Classification: Uncertain significance. Last evaluated: 2026-03-20. Review status: criteria provided, single submitter. Criteria: GeneDx Variant Classification Process June 2021. Collection method: clinical testing. Allele origin: germline.
Comment: Not observed at significant frequency in large population cohorts (gnomAD); In silico analysis supports that this missense variant has a deleterious effect on protein structure/function; Has not been previously published as pathogenic or benign to our knowledge